The following is an entry in ClinVar:

ClinVar aggregate classification (germline): Uncertain significance. Review status: criteria provided, multiple submitters, no conflicts (2 of 4 stars). 2 submissions from 2 submitters: Uncertain significance (2). Last evaluated 2024-01-19.

Conditions:
Inborn genetic diseases. Identifiers: MedGen C0950123, MeSH D030342.

Allele frequency attached by ClinVar (database versions not stated): TOPMed below 0.00001; ExAC 0.00001; gnomAD 0.00001; gnomAD exomes 0.00001; ESP Exome Variant Server 0.00008.
gnomAD v4.1: 13 of 1,613,800 alleles (0.00081%); highest among the groups gnomAD compares: Non-Finnish European, 0.001%; no homozygotes.

Submissions (2):

Ambry Genetics
Classification: Uncertain significance for Inborn genetic diseases. Last evaluated: 2024-01-19. Review status: criteria provided, single submitter. Criteria: Ambry Variant Classification Scheme 2023. Collection method: clinical testing. Allele origin: germline.
Comment: The p.D1794G variant (also known as c.5381A>G) is located in coding exon 32 of the ATR gene. The aspartic acid at codon 1794 is replaced by glycine, an amino acid with similar properties. This change occurs in the first base pair of coding exon 32. This amino acid position is conserved. In addition, the in silico prediction for this alteration is inconclusive. Since supporting evidence is limited at this time, the clinical significance of this alteration remains unclear.

Labcorp Genetics (formerly Invitae), Labcorp
Classification: Uncertain significance. Last evaluated: 2023-01-17. Review status: criteria provided, single submitter. Criteria: Invitae Variant Classification Sherloc (09022015). Collection method: clinical testing. Allele origin: germline.
Comment: In summary, the available evidence is currently insufficient to determine the role of this variant in disease. Therefore, it has been classified as a Variant of Uncertain Significance. Algorithms developed to predict the effect of missense changes on protein structure and function (SIFT, PolyPhen-2, Align-GVGD) all suggest that this variant is likely to be tolerated. ClinVar contains an entry for this variant (Variation ID: 1747180). This variant has not been reported in the literature in individuals affected with ATR-related conditions. This variant is not present in population databases (gnomAD no frequency). This sequence change replaces aspartic acid, which is acidic and polar, with glycine, which is neutral and non-polar, at codon 1794 of the ATR protein (p.Asp1794Gly).

NM_001184.4(ATR):c.5381A>G (p.Asp1794Gly)

Gene: ATR (ATR checkpoint kinase; minus strand). Cytogenetic location: 3q23.
Variant type: single nucleotide variant.
Coding change: c.5381A>G on transcript NM_001184.4 (MANE Select); coding-DNA position 5381, A replaced by G.
Protein change: p.Asp1794Gly; replaces aspartic acid 1794 with glycine.
Molecular consequence: missense variant.
Genome position (GRCh38, 1-based): chr3:142,498,774, T>C on the plus strand (A>G on the coding strand, the complement: ATR is on the minus strand). VCF-style: chr3-142498774-T-C. GRCh37 (hg19) VCF-style: chr3-142217616-T-C.
Other names: c.5189A>G, p.Asp1730Gly (NM_001354579.2); short protein forms D1730G, D1794G.
Identifiers: ClinVar variation 1747180 (VCV001747180.5), dbSNP rs376922396, ClinGen allele CA2649617.